The following is an entry in ClinVar:

ClinVar aggregate classification (germline): Uncertain significance. Review status: criteria provided, multiple submitters, no conflicts (2 of 4 stars). 4 submissions from 4 submitters: Uncertain significance (4). Last evaluated 2025-04-10.

Conditions:
Inborn genetic diseases. Identifiers: MedGen C0950123, MeSH D030342.
Congenital myasthenic syndrome 5. Identifiers: Orphanet 590, MedGen C1864233, MONDO:0011281, OMIM 603034.

Allele frequency attached by ClinVar (database versions not stated): ExAC 0.00004; gnomAD 0.00006; TOPMed 0.00006; gnomAD exomes 0.00007.
gnomAD v4.1: 170 of 1,614,038 alleles (0.011%); highest among the groups gnomAD compares: Non-Finnish European, 0.013%; no homozygotes.

Submissions (4):

Ambry Genetics
Classification: Uncertain significance for Inborn genetic diseases. Last evaluated: 2025-04-10. Review status: criteria provided, single submitter. Criteria: Ambry Variant Classification Scheme 2023. Collection method: clinical testing. Allele origin: germline.

Labcorp Genetics (formerly Invitae), Labcorp
Classification: Uncertain significance for Congenital myasthenic syndrome 5. Last evaluated: 2022-07-11. Review status: criteria provided, single submitter. Criteria: Invitae Variant Classification Sherloc (09022015). Collection method: clinical testing. Allele origin: germline.
Comment: This sequence change replaces arginine, which is basic and polar, with histidine, which is basic and polar, at codon 452 of the COLQ protein (p.Arg452His). This variant is present in population databases (rs754915644, gnomAD 0.009%). This variant has not been reported in the literature in individuals affected with COLQ-related conditions. ClinVar contains an entry for this variant (Variation ID: 651618). Algorithms developed to predict the effect of missense changes on protein structure and function are either unavailable or do not agree on the potential impact of this missense change (SIFT: "Deleterious"; PolyPhen-2: "Not Available"; Align-GVGD: "Class C0"). In summary, the available evidence is currently insufficient to determine the role of this variant in disease. Therefore, it has been classified as a Variant of Uncertain Significance.

Revvity Omics, Revvity
Classification: Uncertain significance for Congenital myasthenic syndrome 5. Last evaluated: 2020-02-24. Review status: criteria provided, single submitter. Criteria: ACMG Guidelines, 2015. Collection method: clinical testing. Allele origin: germline.

Illumina Laboratory Services, Illumina
Classification: Uncertain significance for Congenital myasthenic syndrome 5. Last evaluated: 2017-04-27. Review status: criteria provided, single submitter. Criteria: ICSL Variant Classification Criteria 13 December 2019. Collection method: clinical testing. Allele origin: germline.

NM_005677.4(COLQ):c.1355G>A (p.Arg452His)

Gene: COLQ (collagen like tail subunit of asymmetric acetylcholinesterase; minus strand). Cytogenetic location: 3p25.1.
Variant type: single nucleotide variant.
Coding change: c.1355G>A on transcript NM_005677.4 (MANE Select); coding-DNA position 1355, G replaced by A.
Protein change: p.Arg452His; replaces arginine 452 with histidine.
Molecular consequence: missense variant.
Genome position (GRCh38, 1-based): chr3:15,451,657, C>T on the plus strand (G>A on the coding strand, the complement: COLQ is on the minus strand). VCF-style: chr3-15451657-C-T. GRCh37 (hg19) VCF-style: chr3-15493164-C-T.
Other names: c.1325G>A, p.Arg442His (NM_080538.2); c.1253G>A, p.Arg418His (NM_080539.4); short protein forms R418H, R442H, R452H.
Identifiers: ClinVar variation 651618 (VCV000651618.14), dbSNP rs754915644, ClinGen allele CA2275768.